The following is an entry in ClinVar:

NM_001365693.1(MGAM):c.1130C>T (p.Ala377Val)

Gene: MGAM (maltase-glucoamylase; plus strand). Cytogenetic location: 7q34.
Variant type: single nucleotide variant.
Coding change: c.1130C>T on transcript NM_001365693.1 (MANE Select); coding-DNA position 1130, C replaced by T.
Protein change: p.Ala377Val; replaces alanine 377 with valine.
Molecular consequence: missense variant.
Genome position (GRCh38, 1-based): chr7:142,027,644, C>T. VCF-style: chr7-142027644-C-T. GRCh37 (hg19) VCF-style: chr7-141727444-C-T.
Other names: c.1130C>T, p.Ala377Val (NM_004668.3); short protein forms A377V.
Identifiers: ClinVar variation 4984149 (VCV004984149.1).

ClinVar aggregate classification (germline): Likely benign (1 of 4 stars; one submission).

Conditions:
MGAM-related disorder. Also called: MGAM-related condition.

gnomAD v4.1: 387 of 1,613,788 alleles (0.024%); highest among the groups gnomAD compares: African/African-American, 0.46%; 2 homozygotes.

Submission:

PreventionGenetics, part of Exact Sciences
Classification: Likely benign for MGAM-related condition. Last evaluated: 2024-12-13. Review status: criteria provided, single submitter. Criteria: ACMG Guidelines, 2015. Collection method: clinical testing. Allele origin: germline.
Comment: This variant is classified as likely benign based on ACMG/AMP sequence variant interpretation guidelines (Richards et al. 2015 PMID: 25741868, with internal and published modifications).